The following is an entry in ClinVar:

ClinVar aggregate classification (germline): Likely benign. Review status: criteria provided, multiple submitters, no conflicts (2 of 4 stars). 3 submissions from 3 submitters: Likely benign (3). Last evaluated 2026-08-01.

Conditions:
ESPN-related disorder. Also called: ESPN-related condition.

Allele frequency attached by ClinVar (database versions not stated): 1000 Genomes Project 30x 0.00016; ESP Exome Variant Server 0.00062.
gnomAD v4.1: 120 of 1,606,582 alleles (0.0075%); highest among the groups gnomAD compares: African/African-American, 0.15%; no homozygotes.

Submissions (3):

PreventionGenetics, part of Exact Sciences
Classification: Likely benign for ESPN-related condition. Last evaluated: 2026-08-01. Review status: criteria provided, single submitter. Criteria: ACMG Guidelines, 2015. Collection method: clinical testing. Allele origin: germline.
Comment: This variant is classified as likely benign based on ACMG/AMP sequence variant interpretation guidelines (Richards et al. 2015 PMID: 25741868, with internal and published modifications).

Blueprint Genetics
Classification: Likely benign. Last evaluated: 2024-09-23. Review status: criteria provided, single submitter. Criteria: ACMG Guidelines, 2015. Collection method: clinical testing. Allele origin: germline.

Labcorp Genetics (formerly Invitae), Labcorp
Classification: Likely benign. Last evaluated: 2022-06-04. Review status: criteria provided, single submitter. Criteria: Invitae Variant Classification Sherloc (09022015). Collection method: clinical testing. Allele origin: germline.

NM_031475.3(ESPN):c.1272G>C (p.Thr424=)

Gene: ESPN (espin; plus strand). Cytogenetic location: 1p36.31.
Variant type: single nucleotide variant.
Coding change: c.1272G>C on transcript NM_031475.3 (MANE Select); coding-DNA position 1272, G replaced by C.
Protein change: p.Thr424=; no amino-acid change (threonine 424 retained).
Molecular consequence: synonymous variant.
Genome position (GRCh38, 1-based): chr1:6,445,743, G>C. VCF-style: chr1-6445743-G-C. GRCh37 (hg19) VCF-style: chr1-6505803-G-C.
Other names: c.1272G>C (NM_031475.2); c.1272G>C, p.Thr424= (NM_001367473.1, NM_001367474.1).
Identifiers: ClinVar variation 2076244 (VCV002076244.6), dbSNP rs149996190, ClinGen allele CA560174.